The following is an entry in ClinVar:

NM_005188.4(CBL):c.1618C>T (p.Arg540Ter)

Gene: CBL (Cbl proto-oncogene; plus strand). Cytogenetic location: 11q23.3.
Variant type: single nucleotide variant.
Coding change: c.1618C>T on transcript NM_005188.4 (MANE Select); coding-DNA position 1618, C replaced by T.
Protein change: p.Arg540Ter; replaces arginine 540 with a stop codon.
Molecular consequence: nonsense.
Genome position (GRCh38, 1-based): chr11:119,285,243, C>T. VCF-style: chr11-119285243-C-T. GRCh37 (hg19) VCF-style: chr11-119155953-C-T.
Other names: c.1618C>T (NM_005188.3); short protein forms R540*.
Identifiers: ClinVar variation 1388163 (VCV001388163.7), dbSNP rs764340189, ClinGen allele CA6318574.

ClinVar aggregate classification (germline): Uncertain significance. Review status: criteria provided, multiple submitters, no conflicts (2 of 4 stars). 3 submissions from 3 submitters: Uncertain significance (3). Last evaluated 2023-10-20.

Conditions:
CBL-related disorder. Also called: CBL MUTATION-ASSOCIATED SYNDROME; CBL SYNDROME; NOONAN SYNDROME-LIKE DISORDER WITHOUT JUVENILE MYELOMONOCYTIC LEUKEMIA. Identifiers: Orphanet 363972, MedGen C3150803, MONDO:0013308, OMIM 613563.
Juvenile myelomonocytic leukemia (JMML). Also called: LEUKEMIA, JUVENILE MYELOMONOCYTIC, SOMATIC. Identifiers: Orphanet 86834, MedGen C0349639, MONDO:0011908, OMIM 607785, HP:0012209.
RASopathy. Also called: Noonan spectrum disorder; rasopathies. Identifiers: Orphanet 536391, MedGen C5555857, MONDO:0021060.

Allele frequency attached by ClinVar (database versions not stated): gnomAD exomes below 0.00001; ExAC 0.00001.
gnomAD v4.1: 3 of 1,614,146 alleles (0.00019%); highest among the groups gnomAD compares: Non-Finnish European, 0.00017%; no homozygotes.

Submissions (3):

Labcorp Genetics (formerly Invitae), Labcorp
Classification: Uncertain significance for RASopathy. Last evaluated: 2023-10-20. Review status: criteria provided, single submitter. Criteria: Invitae Variant Classification Sherloc (09022015). Collection method: clinical testing. Allele origin: germline.
Comment: This sequence change creates a premature translational stop signal (p.Arg540*) in the CBL gene. It is expected to result in an absent or disrupted protein product. However, the current clinical and genetic evidence is not sufficient to establish whether loss-of-function variants in CBL cause disease. This variant is present in population databases (rs764340189, gnomAD 0.01%). This variant has not been reported in the literature in individuals affected with CBL-related conditions. ClinVar contains an entry for this variant (Variation ID: 1388163). In summary, the available evidence is currently insufficient to determine the role of this variant in disease. Therefore, it has been classified as a Variant of Uncertain Significance.

PreventionGenetics, part of Exact Sciences
Classification: Uncertain significance for CBL-related condition. Last evaluated: 2023-07-03. Review status: criteria provided, single submitter. Criteria: ACMG Guidelines, 2015. Collection method: clinical testing. Allele origin: germline.
Comment: The CBL c.1618C>T variant is predicted to result in premature protein termination (p.Arg540*). To our knowledge, this variant has not been reported in the literature. This variant is reported in 0.0099% of alleles in individuals of Ashkenazi Jewish descent in gnomAD. At this time, the clinical significance of this variant is uncertain due to the absence of conclusive functional and genetic evidence.

Fulgent Genetics
Classification: Uncertain significance for Juvenile myelomonocytic leukemia; CBL-related disorder. Last evaluated: 2021-07-21. Review status: criteria provided, single submitter. Criteria: ACMG Guidelines, 2015. Collection method: clinical testing. Allele origin: unknown.